The following is an entry in ClinVar:

NM_000452.3(SLC10A2):c.761+1G>T

Gene: SLC10A2 (solute carrier family 10 member 2; minus strand). Cytogenetic location: 13q33.1.
Variant type: single nucleotide variant.
Coding change: c.761+1G>T on transcript NM_000452.3 (MANE Select); the canonical splice donor site of the intron after coding-DNA position 761, G replaced by T.
Molecular consequence: splice donor variant.
Genome position (GRCh38, 1-based): chr13:103,051,256, C>A on the plus strand (G>T on the coding strand, the complement: SLC10A2 is on the minus strand). VCF-style: chr13-103051256-C-A. GRCh37 (hg19) VCF-style: chr13-103703606-C-A.
Identifiers: ClinVar variation 3632146 (VCV003632146.2).

ClinVar aggregate classification (germline): Uncertain significance (1 of 4 stars; one submission).

Submission:

Labcorp Genetics (formerly Invitae), Labcorp
Classification: Uncertain significance. Last evaluated: 2024-09-14. Review status: criteria provided, single submitter. Criteria: Invitae Variant Classification Sherloc (09022015). Collection method: clinical testing. Allele origin: germline.
Comment: This sequence change affects a donor splice site in intron 4 of the SLC10A2 gene. It is expected to disrupt RNA splicing. Variants that disrupt the donor or acceptor splice site typically lead to a loss of protein function (PMID: 16199547), however the current clinical and genetic evidence is not sufficient to establish whether loss-of-function variants in SLC10A2 cause disease. This variant is not present in population databases (gnomAD no frequency). This variant has not been reported in the literature in individuals affected with SLC10A2-related conditions. Algorithms developed to predict the effect of sequence changes on RNA splicing suggest that this variant may disrupt the consensus splice site. In summary, the available evidence is currently insufficient to determine the role of this variant in disease. Therefore, it has been classified as a Variant of Uncertain Significance.

Literature cited by the submitters: PubMed 16199547.